The following is an entry in ClinVar:

NM_020921.4(NIN):c.3229G>A (p.Ala1077Thr)

Gene: NIN (ninein; minus strand). Cytogenetic location: 14q22.1.
Variant type: single nucleotide variant.
Coding change: c.3229G>A on transcript NM_020921.4 (MANE Select); coding-DNA position 3229, G replaced by A.
Protein change: p.Ala1077Thr; replaces alanine 1077 with threonine.
Molecular consequence: missense variant. On other transcripts: intron variant (1).
Genome position (GRCh38, 1-based): chr14:50,757,801, C>T on the plus strand (G>A on the coding strand, the complement: NIN is on the minus strand). VCF-style: chr14-50757801-C-T. GRCh37 (hg19) VCF-style: chr14-51224519-C-T.
Other names: c.3229G>A, p.Ala1077Thr (NM_182944.3, NM_182946.2); c.2399+2056G>A (NM_016350.5); short protein forms A1077T.
Identifiers: ClinVar variation 4695408 (VCV004695408.1).

ClinVar aggregate classification (germline): Uncertain significance (1 of 4 stars; one submission).

Submission:

Labcorp Genetics (formerly Invitae), Labcorp
Classification: Uncertain significance. Last evaluated: 2025-04-09. Review status: criteria provided, single submitter. Criteria: Invitae Variant Classification Sherloc (09022015). Collection method: clinical testing. Allele origin: germline.
Comment: This sequence change replaces alanine, which is neutral and non-polar, with threonine, which is neutral and polar, at codon 1077 of the NIN protein (p.Ala1077Thr). This variant is not present in population databases (gnomAD no frequency). This variant has not been reported in the literature in individuals affected with NIN-related conditions. An algorithm developed to predict the effect of missense changes on protein structure and function (PolyPhen-2) suggests that this variant is likely to be disruptive. In summary, the available evidence is currently insufficient to determine the role of this variant in disease. Therefore, it has been classified as a Variant of Uncertain Significance.